The following is an entry in ClinVar:

ClinVar aggregate classification (germline): Uncertain significance. Review status: criteria provided, multiple submitters, no conflicts (2 of 4 stars). 3 submissions from 3 submitters: Uncertain significance (3). Last evaluated 2023-10-03.

Conditions:
Nance-Horan syndrome (NHS). Identifiers: Orphanet 627, MedGen C0796085, MONDO:0010545, OMIM 302350.

Allele frequency attached by ClinVar (database versions not stated): ExAC 0.00001; gnomAD 0.00001; gnomAD exomes 0.00001; TOPMed 0.00003.
gnomAD v4.1: 8 of 1,210,241 alleles (0.00066%); highest among the groups gnomAD compares: Middle Eastern, 0.023%; no homozygotes.

Submissions (3):

Labcorp Genetics (formerly Invitae), Labcorp
Classification: Uncertain significance for Nance-Horan syndrome. Last evaluated: 2023-10-03. Review status: criteria provided, single submitter. Criteria: Invitae Variant Classification Sherloc (09022015). Collection method: clinical testing. Allele origin: germline.
Comment: This sequence change replaces arginine, which is basic and polar, with tryptophan, which is neutral and slightly polar, at codon 231 of the NHS protein (p.Arg231Trp). This variant is present in population databases (rs749420963, gnomAD 0.001%). This variant has not been reported in the literature in individuals affected with NHS-related conditions. ClinVar contains an entry for this variant (Variation ID: 1343031). Advanced modeling of protein sequence and biophysical properties (such as structural, functional, and spatial information, amino acid conservation, physicochemical variation, residue mobility, and thermodynamic stability) performed at Invitae indicates that this missense variant is not expected to disrupt NHS protein function. In summary, the available evidence is currently insufficient to determine the role of this variant in disease. Therefore, it has been classified as a Variant of Uncertain Significance.

Women's Health and Genetics/Laboratory Corporation of America, LabCorp
Classification: Uncertain significance. Last evaluated: 2023-06-19. Review status: criteria provided, single submitter. Criteria: LabCorp Variant Classification Summary - May 2015. Collection method: clinical testing. Allele origin: germline.
Comment: Variant summary: NHS c.691C>T (p.Arg231Trp) results in a non-conservative amino acid change in the encoded protein sequence. Four of five in-silico tools predict a damaging effect of the variant on protein function. The variant allele was found at a frequency of 5.5e-06 in 182500 control chromosomes (gnomAD). The available data on variant occurrences in the general population are insufficient to allow any conclusion about variant significance. To our knowledge, no occurrence of c.691C>T in individuals affected with Nance-Horan Syndrome and no experimental evidence demonstrating its impact on protein function have been reported. One ClinVar submitter has assessed the variant since 2014 and has classified the variant as uncertain significance. Based on the evidence outlined above, the variant was classified as uncertain significance.

GeneDx
Classification: Uncertain significance. Last evaluated: 2022-02-10. Review status: criteria provided, single submitter. Criteria: GeneDx Variant Classification Process June 2021. Collection method: clinical testing. Allele origin: germline. Affected: yes.
Comment: In silico analysis supports that this missense variant has a deleterious effect on protein structure/function; Has not been previously published as pathogenic or benign to our knowledge

NM_001291867.2(NHS):c.691C>T (p.Arg231Trp)

Gene: NHS (NHS actin remodeling regulator; plus strand). Cytogenetic location: Xp22.13.
Variant type: single nucleotide variant.
Coding change: c.691C>T on transcript NM_001291867.2 (MANE Select); coding-DNA position 691, C replaced by T.
Protein change: p.Arg231Trp; replaces arginine 231 with tryptophan.
Molecular consequence: missense variant.
Genome position (GRCh38, 1-based): chrX:17,687,867, C>T. VCF-style: chrX-17687867-C-T. GRCh37 (hg19) VCF-style: chrX-17705987-C-T.
Other names: c.160C>T, p.Arg54Trp (NM_001136024.4, NM_001291868.2); c.691C>T, p.Arg231Trp (NM_198270.4); c.691C>T (NM_198270.3); short protein forms R231W, R54W.
Identifiers: ClinVar variation 1343031 (VCV001343031.6), dbSNP rs749420963, ClinGen allele CA10358511.
Genomic context (GRCh38, chrX:17,687,867, plus strand): 5'-CGCAACATCTTCCTCCCAGCCACAAGGCCACCCTGCGTGGAGGAGCTGCACCGCCACGCC[C>T]GGCAGAGCCTGCAAGCCCTGCGCAGAGGTGACAGATCCTGGGCTTGGGGGCTTTTGCGGG-3'
Protein context (NP_001278796.1, residues 221-241): PCVEELHRHA[Arg231Trp]QSLQALRREH